The following is an entry in ClinVar:

ClinVar aggregate classification (germline): Benign (1 of 4 stars; one submission).

Conditions:
Oroticaciduria. Also called: Orotic aciduria. Identifiers: Orphanet 30, MedGen C0268128, HP:0003218.

Allele frequency attached by ClinVar (database versions not stated): 1000 Genomes Project 0.00799; ExAC 0.01516.

Submission:

Illumina Laboratory Services, Illumina
Classification: Benign for Hereditary orotic aciduria. Last evaluated: 2018-01-12. Review status: criteria provided, single submitter. Criteria: ICSL Variant Classification Criteria 13 December 2019. Collection method: clinical testing. Allele origin: germline.
Comment: This variant was observed in the ICSL laboratory as part of a predisposition screen in an ostensibly healthy population. It had not been previously curated by ICSL or reported in the Human Gene Mutation Database (HGMD: prior to June 1st, 2018), and was therefore a candidate for classification through an automated scoring system. Utilizing variant allele frequency, disease prevalence and penetrance estimates, and inheritance mode, an automated score was calculated to assess if this variant is too frequent to cause the disease. Based on the score and internal cut-off values, a variant classified as benign is not then subjected to further curation. The score for this variant resulted in a classification of benign for this disease.

NM_000373.4(UMPS):c.*2718C>T

Gene: UMPS (uridine monophosphate synthetase; plus strand). Cytogenetic location: 3q21.2.
Variant type: single nucleotide variant.
Coding change: c.*2718C>T on transcript NM_000373.4 (MANE Select); 2718 bases downstream of the stop codon, C replaced by T.
Molecular consequence: 3 prime UTR variant. On other transcripts: non-coding transcript variant (2).
Genome position (GRCh38, 1-based): chr3:124,746,802, C>T. VCF-style: chr3-124746802-C-T. GRCh37 (hg19) VCF-style: chr3-124465649-C-T.
Identifiers: ClinVar variation 901252 (VCV000901252.4), dbSNP rs201997594, ClinGen allele CA2582067.